The following is an entry in ClinVar:

ClinVar aggregate classification (germline): Pathogenic (1 of 4 stars; one submission).

Conditions:
Autosomal recessive nonsyndromic hearing loss 29. Identifiers: Orphanet 90636, MedGen C3279660, MONDO:0013537, OMIM 614035.

gnomAD v4.1: 3 of 1,613,058 alleles (0.00019%); highest among the groups gnomAD compares: East Asian, 0.0022%; no homozygotes.

Submission:

Institute of Rare Diseases, West China Hospital, Sichuan University
Classification: Pathogenic for Autosomal recessive nonsyndromic hearing loss 29. Last evaluated: 2025-01-09. Review status: criteria provided, single submitter. Criteria: ClinGen HL ACMG Specifications v1. Collection method: research. Allele origin: germline. Affected: yes.
Comment: PVS1;PM3_Supporting;PM2_Supporting

NM_001146079.2(CLDN14):c.285C>A (p.Cys95Ter)

Genes: CLDN14 (claudin 14; minus strand), CLDN14-AS1 (CLDN14 antisense RNA 1; plus strand). Cytogenetic location: 21q22.13.
Variant type: single nucleotide variant.
Coding change: c.285C>A on transcript NM_001146079.2 (MANE Select); coding-DNA position 285, C replaced by A.
Protein change: p.Cys95Ter; replaces cysteine 95 with a stop codon.
Molecular consequence: nonsense.
Genome position (GRCh38, 1-based): chr21:36,461,411, G>T on the plus strand (C>A on the coding strand, the complement: CLDN14 is on the minus strand). VCF-style: chr21-36461411-G-T. GRCh37 (hg19) VCF-style: chr21-37833709-G-T.
Other names: c.285C>A, p.Cys95Ter (NM_001146077.2, NM_001146078.3, NM_012130.4 and 1 more transcripts); short protein forms C95*.
Identifiers: ClinVar variation 3601941 (VCV003601941.1).
Genomic context (GRCh38, chr21:36,461,411, plus strand): 5'-GGTCTTGGCGGGTGTGCCCTTGGCGCAGCGCGTGCACTTCATCCCGATGACGGCGCAGGC[G>T]CAGGCTATGCCCGAGAGCAGGCAGGAGATGACCATGAGGGCGCGGGCAGCCTGGAGGTCT-3'